The following is an entry in ClinVar:

NM_018713.3(SLC30A10):c.85G>A (p.Gly29Ser)

Gene: SLC30A10 (solute carrier family 30 member 10; minus strand). Cytogenetic location: 1q41.
Variant type: single nucleotide variant.
Coding change: c.85G>A on transcript NM_018713.3 (MANE Select); coding-DNA position 85, G replaced by A.
Protein change: p.Gly29Ser; replaces glycine 29 with serine.
Molecular consequence: missense variant. On other transcripts: 5 prime UTR variant (1), intron variant (1).
Genome position (GRCh38, 1-based): chr1:219,928,356, C>T on the plus strand (G>A on the coding strand, the complement: SLC30A10 is on the minus strand). VCF-style: chr1-219928356-C-T. GRCh37 (hg19) VCF-style: chr1-220101698-C-T.
Other names: c.-629G>A (NM_001416005.1); c.452-1251G>A (NM_001376929.1); short protein forms G29S.
Identifiers: ClinVar variation 3392891 (VCV003392891.1).

ClinVar aggregate classification (germline): Uncertain significance (1 of 4 stars; one submission).

gnomAD v4.1: 3 of 1,613,256 alleles (0.00019%); highest among the groups gnomAD compares: Non-Finnish European, 0.00025%; no homozygotes.

Submission:

GeneDx
Classification: Uncertain significance. Last evaluated: 2024-06-28. Review status: criteria provided, single submitter. Criteria: GeneDx Variant Classification Process June 2021. Collection method: clinical testing. Allele origin: germline. Affected: yes.
Comment: Not observed at significant frequency in large population cohorts (gnomAD); In silico analysis supports that this missense variant has a deleterious effect on protein structure/function; Has not been previously published as pathogenic or benign to our knowledge